The following is an entry in ClinVar:

ClinVar aggregate classification (germline): Likely benign (1 of 4 stars; one submission).

Submission:

CeGaT Center for Human Genetics Tuebingen
Classification: Likely benign. Last evaluated: 2024-10-01. Review status: criteria provided, single submitter. Criteria: CeGaT Center For Human Genetics Tuebingen Variant Classification Criteria Version 2. Collection method: clinical testing. Allele origin: germline. Affected: yes. Observed: 1 variant allele.
Comment: ERMARD: BP4

NM_018341.3(ERMARD):c.1052C>T (p.Pro351Leu)

Gene: ERMARD (ER membrane associated RNA degradation; plus strand). Cytogenetic location: 6q27.
Variant type: single nucleotide variant.
Coding change: c.1052C>T on transcript NM_018341.3 (MANE Select); coding-DNA position 1052, C replaced by T.
Protein change: p.Pro351Leu; replaces proline 351 with leucine.
Molecular consequence: missense variant.
Genome position (GRCh38, 1-based): chr6:169,768,164, C>T. VCF-style: chr6-169768164-C-T. GRCh37 (hg19) VCF-style: chr6-170168260-C-T.
Other names: c.1052C>T, p.Pro351Leu (NM_001278531.2, NM_001278533.2); c.674C>T, p.Pro225Leu (NM_001278532.2); c.644C>T, p.Pro215Leu (NM_001410957.1); short protein forms P215L, P225L, P351L.
Identifiers: ClinVar variation 3389318 (VCV003389318.14).